The following is an entry in ClinVar:

ClinVar aggregate classification (germline): Uncertain significance (1 of 4 stars; one submission).

Conditions:
Peroxisome biogenesis disorder 12A (Zellweger). Also called: Peroxisome biogenesis disorder 12A. Identifiers: Orphanet 912, MedGen C3554002, MONDO:0013951, OMIM 614886.

Allele frequency attached by ClinVar (database versions not stated): TOPMed below 0.00001; ExAC 0.00001; gnomAD 0.00001; gnomAD exomes 0.00001.
gnomAD v4.1: 9 of 1,611,844 alleles (0.00056%); highest among the groups gnomAD compares: Non-Finnish European, 0.00076%; no homozygotes.

Submission:

Labcorp Genetics (formerly Invitae), Labcorp
Classification: Uncertain significance for Peroxisome biogenesis disorder 12A (Zellweger). Last evaluated: 2026-01-26. Review status: criteria provided, single submitter. Criteria: Invitae Variant Classification Sherloc (09022015). Collection method: clinical testing. Allele origin: germline.
Comment: This sequence change replaces leucine, which is neutral and non-polar, with valine, which is neutral and non-polar, at codon 258 of the PEX19 protein (p.Leu258Val). This variant is present in population databases (rs752093054, gnomAD 0.003%). This variant has not been reported in the literature in individuals affected with PEX19-related conditions. ClinVar contains an entry for this variant (Variation ID: 1042968). An algorithm developed to predict the effect of missense changes on protein structure and function (PolyPhen-2) suggests that this variant is likely to be tolerated. In summary, the available evidence is currently insufficient to determine the role of this variant in disease. Therefore, it has been classified as a Variant of Uncertain Significance.

NM_002857.4(PEX19):c.772C>G (p.Leu258Val)

Gene: PEX19 (peroxisomal biogenesis factor 19; minus strand). Cytogenetic location: 1q23.2.
Variant type: single nucleotide variant.
Coding change: c.772C>G on transcript NM_002857.4 (MANE Select); coding-DNA position 772, C replaced by G.
Protein change: p.Leu258Val; replaces leucine 258 with valine.
Molecular consequence: missense variant. On other transcripts: non-coding transcript variant (2).
Genome position (GRCh38, 1-based): chr1:160,279,845, G>C on the plus strand (C>G on the coding strand, the complement: PEX19 is on the minus strand). VCF-style: chr1-160279845-G-C. GRCh37 (hg19) VCF-style: chr1-160249635-G-C.
Other names: c.772C>G, p.Leu258Val (NM_001193644.1); short protein forms L258V.
Identifiers: ClinVar variation 1042968 (VCV001042968.6), dbSNP rs752093054, ClinGen allele CA1197237.